The following is an entry in ClinVar:

NM_005141.5(FGB):c.419C>A (p.Thr140Asn)

Gene: FGB (fibrinogen beta chain; plus strand). Cytogenetic location: 4q31.3.
Variant type: single nucleotide variant.
Coding change: c.419C>A on transcript NM_005141.5 (MANE Select); coding-DNA position 419, C replaced by A.
Protein change: p.Thr140Asn; replaces threonine 140 with asparagine.
Molecular consequence: missense variant. On other transcripts: intron variant (1).
Genome position (GRCh38, 1-based): chr4:154,566,601, C>A. VCF-style: chr4-154566601-C-A. GRCh37 (hg19) VCF-style: chr4-155487753-C-A.
Other names: c.242C>A, p.Thr81Asn (NM_001184741.1); c.419C>A, p.Thr140Asn (NM_001382760.1, NM_001382761.1, NM_001382762.1 and 3 more transcripts); c.307-20C>A (NM_001382759.1); short protein forms T140N, T81N.
Identifiers: ClinVar variation 2572164 (VCV002572164.1), dbSNP rs867633933, ClinGen allele CA108750343.
Genomic context (GRCh38, chr4:154,566,601, plus strand): 5'-AAAGGCCAATCAGAAATAGTGTTGATGAGTTAAATAACAATGTGGAAGCTGTTTCCCAGA[C>A]CTCCTCTTCTTCCTTTCAGTACATGTATTTGCTGAAAGACCTGTGGCAAAAGAGGCAGAA-3'
Protein context (NP_005132.2, residues 130-150): LNNNVEAVSQ[Thr140Asn]SSSSFQYMYL

ClinVar aggregate classification (germline): Uncertain significance (1 of 4 stars; one submission).

Conditions:
Familial dysfibrinogenemia. Also called: Dysfibrinogenemia, congenital. Identifiers: Orphanet 335, Orphanet 98881, MedGen C0272350, MONDO:0014452, OMIM 616004.

Submission:

ISTH-SSC Genomics in Thrombosis and Hemostasis, KU Leuven, Center for Molecular and Vascular Biology
Classification: Uncertain significance for Familial dysfibrinogenemia. Review status: criteria provided, single submitter. Criteria: ACMG Guidelines, 2015. Collection method: clinical testing. Allele origin: germline. Affected: yes. Observed: 1 heterozygote.
Comment: Submitted to the GoldVariant database by Kathleen Freson, Center for Molecular and Vascular Biology